The following is an entry in ClinVar:

NM_001943.5(DSG2):c.1948A>T (p.Thr650Ser)

Gene: DSG2 (desmoglein 2; plus strand). Cytogenetic location: 18q12.1.
Variant type: single nucleotide variant.
Coding change: c.1948A>T on transcript NM_001943.5 (MANE Select); coding-DNA position 1948, A replaced by T.
Protein change: p.Thr650Ser; replaces threonine 650 with serine.
Molecular consequence: missense variant.
Genome position (GRCh38, 1-based): chr18:31,541,261, A>T. VCF-style: chr18-31541261-A-T. GRCh37 (hg19) VCF-style: chr18-29121224-A-T.
Other names: short protein forms T650S.
Identifiers: ClinVar variation 3074524 (VCV003074524.1), dbSNP rs2073265718, ClinGen allele CA402139597.

ClinVar aggregate classification (germline): Uncertain significance (1 of 4 stars; one submission).

Conditions:
Arrhythmogenic right ventricular cardiomyopathy (ARVD). Also called: Arrhythmogenic right ventricular dysplasia; Cardiomyopathy, ARVC; Arrhythmogenic cardiomyopathy; Arrhythmogenic Right Ventricular Cardiomyopathy (ARVC). Identifiers: Orphanet 247, MedGen C0349788, MeSH D019571, MONDO:0016587. Disease mechanism: loss of function. Inheritance: Various modes of inheritance.

gnomAD v4.1: 1 of 1,614,144 alleles (0.000062%); highest among the groups gnomAD compares: East Asian, 0.0022%; no homozygotes.

Submission:

All of Us Research Program, National Institutes of Health
Classification: Uncertain significance for Arrhythmogenic right ventricular cardiomyopathy. Last evaluated: 2023-11-20. Review status: criteria provided, single submitter. Criteria: ACMG Guidelines, 2015. Collection method: clinical testing. Allele origin: germline. Inheritance: Autosomal dominant inheritance. Observed: 1 variant allele, 1 heterozygote.
Comment: This missense variant replaces threonine with serine at codon 650 of the DSG2 protein. Computational prediction suggests that this variant may not impact protein structure and function (internally defined REVEL score threshold <= 0.5, PMID: 27666373). To our knowledge, functional studies have not been reported for this variant. This variant has not been reported in individuals affected with DSG2-related disorders in the literature. This variant has not been identified in the general population by the Genome Aggregation Database (gnomAD). The available evidence is insufficient to determine the role of this variant in disease conclusively. Therefore, this variant is classified as a Variant of Uncertain Significance.

This study involves interpretation of variants in research participants for the purpose of population health screening. Participant phenotype was not available at the time of variant classification. Additional details can be found in publication PMID: 35346344, PMCID: PMC8962531